The following is an entry in ClinVar:

ClinVar aggregate classification (germline): Uncertain significance (1 of 4 stars; one submission).

Conditions:
Renal dysplasia, cystic, susceptibility to. Identifiers: MedGen C3275898, MONDO:0011037, OMIM 601331.

gnomAD v4.1: 1 of 1,613,704 alleles (0.000062%); highest among the groups gnomAD compares: Non-Finnish European, 0.000085%; no homozygotes.

Submission:

Juno Genomics, Hangzhou Juno Genomics, Inc
Classification: Uncertain significance for Renal dysplasia, cystic, susceptibility to. Review status: criteria provided, single submitter. Criteria: ACMG Guidelines, 2015. Collection method: clinical testing. Allele origin: germline.
Comment: Absent from controls (or at extremely low frequency if recessive) in Genome Aggregation Database.

NM_001080512.3(BICC1):c.1349T>C (p.Leu450Pro)

Gene: BICC1 (BicC family RNA binding protein 1; plus strand). Cytogenetic location: 10q21.1.
Variant type: single nucleotide variant.
Coding change: c.1349T>C on transcript NM_001080512.3 (MANE Select); coding-DNA position 1349, T replaced by C.
Protein change: p.Leu450Pro; replaces leucine 450 with proline.
Molecular consequence: missense variant.
Genome position (GRCh38, 1-based): chr10:58,796,509, T>C. VCF-style: chr10-58796509-T-C. GRCh37 (hg19) VCF-style: chr10-60556269-T-C.
Other names: short protein forms L450P.
Identifiers: ClinVar variation 5007720 (VCV005007720.2).